The following is an entry in ClinVar:

NM_001122681.2(SH3BP2):c.980C>T (p.Thr327Ile)

Gene: SH3BP2 (SH3 domain binding protein 2; plus strand). Cytogenetic location: 4p16.3.
Variant type: single nucleotide variant.
Coding change: c.980C>T on transcript NM_001122681.2 (MANE Select); coding-DNA position 980, C replaced by T.
Protein change: p.Thr327Ile; replaces threonine 327 with isoleucine.
Molecular consequence: missense variant.
Genome position (GRCh38, 1-based): chr4:2,829,886, C>T. VCF-style: chr4-2829886-C-T. GRCh37 (hg19) VCF-style: chr4-2831613-C-T.
Other names: c.1064C>T, p.Thr355Ile (NM_001145855.2); c.1151C>T, p.Thr384Ile (NM_001145856.2); c.980C>T, p.Thr327Ile (NM_003023.4); short protein forms T327I, T384I, T355I.
Identifiers: ClinVar variation 3003205 (VCV003003205.4), dbSNP rs2530350323, ClinGen allele CA356056634.

ClinVar aggregate classification (germline): Uncertain significance. Review status: criteria provided, multiple submitters, no conflicts (2 of 4 stars). 2 submissions from 2 submitters: Uncertain significance (2). Last evaluated 2025-06-16.

Conditions:
Fibrous dysplasia of jaw (CRBM). Also called: Cherubism. Identifiers: Orphanet 184, MedGen C0008029, MONDO:0007315, OMIM 118400.
Inborn genetic diseases. Identifiers: MedGen C0950123, MeSH D030342.

Allele frequency attached by ClinVar (database versions not stated): gnomAD exomes below 0.00001.
gnomAD v4.1: 2 of 1,613,950 alleles (0.00012%); highest among the groups gnomAD compares: Non-Finnish European, 0.00017%; no homozygotes.

Submissions (2):

Labcorp Genetics (formerly Invitae), Labcorp
Classification: Uncertain significance for Fibrous dysplasia of jaw. Last evaluated: 2025-06-16. Review status: criteria provided, single submitter. Criteria: Invitae Variant Classification Sherloc (09022015). Collection method: clinical testing. Allele origin: germline.
Comment: This sequence change replaces threonine, which is neutral and polar, with isoleucine, which is neutral and non-polar, at codon 327 of the SH3BP2 protein (p.Thr327Ile). This variant is not present in population databases (gnomAD no frequency). This variant has not been reported in the literature in individuals affected with SH3BP2-related conditions. ClinVar contains an entry for this variant (Variation ID: 3003205). Invitae Evidence Modeling of protein sequence and biophysical properties (such as structural, functional, and spatial information, amino acid conservation, physicochemical variation, residue mobility, and thermodynamic stability) indicates that this missense variant is not expected to disrupt SH3BP2 protein function with a negative predictive value of 80%. In summary, the available evidence is currently insufficient to determine the role of this variant in disease. Therefore, it has been classified as a Variant of Uncertain Significance.

Ambry Genetics
Classification: Uncertain significance for Inborn genetic diseases. Last evaluated: 2024-01-16. Review status: criteria provided, single submitter. Criteria: Ambry Variant Classification Scheme 2023. Collection method: clinical testing. Allele origin: germline.